The following is an entry in ClinVar:

NM_177438.3(DICER1):c.4830del (p.Phe1610fs)

Gene: DICER1 (dicer 1, ribonuclease III; minus strand). Cytogenetic location: 14q32.13.
Variant type: Deletion.
Coding change: c.4830del on transcript NM_177438.3 (MANE Select); coding-DNA position 4830, one base deleted (C; older notation c.4830delC).
Protein change: p.Phe1610fs; shifts the reading frame from phenylalanine 1610.
Molecular consequence: frameshift variant. On other transcripts: non-coding transcript variant (6).
Genome position (GRCh38, 1-based): chr14:95,096,090, G deleted on the plus strand (C on the coding strand, the reverse complement: DICER1 is on the minus strand). VCF-style (leftmost placement, unchanged base first): chr14-95096089-TG-T. GRCh37 (hg19) VCF-style: chr14-95562426-TG-T.
Other names: c.4830del, p.Phe1610fs (NM_001195573.1, NM_001271282.3, NM_001291628.2 and 12 more transcripts); c.4548del, p.Phe1516fs (NM_001395686.1); c.4425del, p.Phe1475fs (NM_001395687.1, NM_001395688.1, NM_001395689.1 and 2 more transcripts); c.4263del, p.Phe1421fs (NM_001395691.1); c.3147del, p.Phe1049fs (NM_001395697.1); short protein forms F1049fs, F1516fs, F1610fs, F1475fs, F1421fs.
Identifiers: ClinVar variation 4056345 (VCV004056345.1).
Genomic context (GRCh38, chr14:95,096,089, plus strand): 5'-AGCGTGAACTGGCCACAGAAGCAGCAGCACAGCTCACTGAAAGGTTCTTTTGTTGGCTGT[TG>T]AAATTCTCCCGAGTAGGGCACAGGGCCTTTTCCCGATCAGTCCTTTTAATTACCGGGAGC-3'

ClinVar aggregate classification (germline): Likely pathogenic (1 of 4 stars; one submission).

Submission:

Institute of Human Genetics, FAU Erlangen, Friedrich-Alexander-Universität Erlangen-Nürnberg
Classification: Likely pathogenic. Last evaluated: 2025-07-11. Review status: criteria provided, single submitter. Criteria: Hauer et al. (Genet Med. 2018). Collection method: clinical testing. Allele origin: germline. Inheritance: Unknown mechanism. Affected: yes. Observed: 1 variant allele.
Comment: This variant has been identified by standard clinical testing. DICER1-related tumor predisposition Selected ACMG criteria: Likely pathogenic (I):PM2;PVS1